The following is an entry in ClinVar:

ClinVar aggregate classification (germline): Uncertain significance (1 of 4 stars; one submission).

Allele frequency attached by ClinVar (database versions not stated): ExAC 0.00001; gnomAD 0.00001; TOPMed 0.00001.
gnomAD v4.1: 6 of 1,612,998 alleles (0.00037%); highest among the groups gnomAD compares: Admixed American, 0.0017%; no homozygotes.

Submission:

Labcorp Genetics (formerly Invitae), Labcorp
Classification: Uncertain significance. Last evaluated: 2022-06-22. Review status: criteria provided, single submitter. Criteria: Invitae Variant Classification Sherloc (09022015). Collection method: clinical testing. Allele origin: germline.
Comment: This sequence change replaces alanine, which is neutral and non-polar, with threonine, which is neutral and polar, at codon 39 of the APOC3 protein (p.Ala39Thr). Algorithms developed to predict the effect of missense changes on protein structure and function (SIFT, PolyPhen-2, Align-GVGD) all suggest that this variant is likely to be disruptive. In summary, the available evidence is currently insufficient to determine the role of this variant in disease. Therefore, it has been classified as a Variant of Uncertain Significance. The frequency data for this variant in the population databases is considered unreliable, as metrics indicate poor data quality at this position in the gnomAD database. This variant has not been reported in the literature in individuals affected with APOC3-related conditions.

NM_000040.3(APOC3):c.115G>A (p.Ala39Thr)

Gene: APOC3 (apolipoprotein C3; plus strand). Cytogenetic location: 11q23.3.
Variant type: single nucleotide variant.
Coding change: c.115G>A on transcript NM_000040.3 (MANE Select); coding-DNA position 115, G replaced by A.
Protein change: p.Ala39Thr; replaces alanine 39 with threonine.
Molecular consequence: missense variant.
Genome position (GRCh38, 1-based): chr11:116,830,832, G>A. VCF-style: chr11-116830832-G-A. GRCh37 (hg19) VCF-style: chr11-116701548-G-A.
Other names: short protein forms A39T.
Identifiers: ClinVar variation 1984868 (VCV001984868.4), dbSNP rs764996088, ClinGen allele CA6289658.